The following is an entry in ClinVar:

NM_198525.3(KIF7):c.157C>T (p.Arg53Ter)

Gene: KIF7 (kinesin family member 7; minus strand). Cytogenetic location: 15q26.1.
Variant type: single nucleotide variant.
Coding change: c.157C>T on transcript NM_198525.3 (MANE Select); coding-DNA position 157, C replaced by T.
Protein change: p.Arg53Ter; replaces arginine 53 with a stop codon.
Molecular consequence: nonsense.
Genome position (GRCh38, 1-based): chr15:89,652,774, G>A on the plus strand (C>T on the coding strand, the complement: KIF7 is on the minus strand). VCF-style: chr15-89652774-G-A. GRCh37 (hg19) VCF-style: chr15-90196005-G-A.
Other names: short protein forms R53*.
Identifiers: ClinVar variation 463142 (VCV000463142.8), dbSNP rs569323391, ClinGen allele CA274584468.

ClinVar aggregate classification (germline): Pathogenic. Review status: criteria provided, multiple submitters, no conflicts (2 of 4 stars). 2 submissions from 2 submitters: Pathogenic (2). Last evaluated 2025-11-07.

Conditions:
Acrocallosal syndrome (ACLS). Also called: Schinzel syndrome 1; Absence of corpus callosum with unusual facial appearance, mental deficiency, duplication of the halluces and polydactyly; HALLUX DUPLICATION, POSTAXIAL POLYDACTYLY, AND ABSENCE OF CORPUS CALLOSUM. Identifiers: Orphanet 36, MedGen C0796147, MONDO:0008708, OMIM 200990.

Allele frequency attached by ClinVar (database versions not stated): 1000 Genomes Project 0.00020; 1000 Genomes Project 30x 0.00031; gnomAD exomes below 0.00001; gnomAD 0.00001; TOPMed below 0.00001.
gnomAD v4.1: 4 of 1,551,604 alleles (0.00026%); highest among the groups gnomAD compares: African/African-American, 0.0027%; no homozygotes.

Submissions (2):

Variantyx, Inc.
Classification: Pathogenic for Acrocallosal syndrome. Last evaluated: 2025-11-07. Review status: criteria provided, single submitter. Criteria: Variantyx Assertion Criteria 2022. Collection method: clinical testing. Allele origin: germline. Inheritance: Autosomal recessive inheritance. Affected: no.
Comment: This is a nonsense variant in the KIF7 gene (OMIM: 611254). Pathogenic variants in this gene have been associated with autosomal recessive acrocallosal syndrome. This variant introduces a premature termination codon in exon 2 out of 19 and is expected to result in loss of function, which is a known disease mechanism for KIF7 in this disorder (PMID: 21552264) (PVS1). This variant has been identified in the homozygous state in at least two individuals reported in the published literature (PMID: 32055034, 32552793) and previous internal cases (PM3). It has a 0.0027% maximum allele frequency in non-founder control populations (PM2). Based on the current evidence, this variant is classified as pathogenic for autosomal recessive acrocallosal syndrome.

Labcorp Genetics (formerly Invitae), Labcorp
Classification: Pathogenic for Acrocallosal syndrome. Last evaluated: 2025-08-26. Review status: criteria provided, single submitter. Criteria: Invitae Variant Classification Sherloc (09022015). Collection method: clinical testing. Allele origin: germline.
Comment: This sequence change creates a premature translational stop signal (p.Arg53*) in the KIF7 gene. It is expected to result in an absent or disrupted protein product. Loss-of-function variants in KIF7 are known to be pathogenic (PMID: 19666503, 21552264, 21633164, 26648833). This variant is not present in population databases (gnomAD no frequency). This premature translational stop signal has been observed in individual(s) with acrocallosal syndrome (PMID: 32055034). ClinVar contains an entry for this variant (Variation ID: 463142). For these reasons, this variant has been classified as Pathogenic.

Literature cited by the submitters: PubMed 21552264 (cited by Variantyx, Inc. and Labcorp Genetics (formerly Invitae), Labcorp); PubMed 32055034 (cited by Variantyx, Inc. and Labcorp Genetics (formerly Invitae), Labcorp); PubMed 32552793 (cited by Variantyx, Inc.); PubMed 19666503 (cited by Labcorp Genetics (formerly Invitae), Labcorp); PubMed 21633164 (cited by Labcorp Genetics (formerly Invitae), Labcorp); PubMed 26648833 (cited by Labcorp Genetics (formerly Invitae), Labcorp).